The following is an entry in ClinVar:

ClinVar aggregate classification (germline): Benign (1 of 4 stars; one submission).

Submission:

Unidad de Genómica Garrahan, Hospital de Pediatría Garrahan
Classification: Benign. Last evaluated: 2024-01-24. Review status: criteria provided, single submitter. Criteria: ACMG Guidelines, 2015. Collection method: clinical testing. Allele origin: germline. Affected: no. Observed: 28 variant alleles.
Comment: This variant is classified as Benign based on local population frequency. This variant was detected in 29% of patients studied by a panel of primary immunodeficiencies. Number of patients: 28. Only high quality variants are reported.

NM_005060.4(RORC):c.156+73_156+74insCACACACT

Gene: RORC (RAR related orphan receptor C; minus strand). Cytogenetic location: 1q21.3.
Variant type: Microsatellite.
Coding change: c.156+73_156+74insCACACACT on transcript NM_005060.4 (MANE Select); bases 73 to 74 of the intron after coding-DNA position 156, CACACACT inserted.
Molecular consequence: intron variant.
Genome position: GRCh38 VCF-style: chr1-151817121-T-TGTGTGTGA. GRCh37 (hg19) VCF-style: chr1-151789597-T-TGTGTGTGA.
Other names: c.93+73_93+74insCACACACT (NM_001001523.2).
Identifiers: ClinVar variation 2688254 (VCV002688254.2), dbSNP rs2525632512.